The following is an entry in ClinVar:

NM_018714.3(COG1):c.415_416del (p.Gln139fs)

Gene: COG1 (component of oligomeric golgi complex 1; plus strand). Cytogenetic location: 17q25.1.
Variant type: Deletion.
Coding change: c.415_416del on transcript NM_018714.3 (MANE Select); coding-DNA positions 415 to 416, 2 bases deleted (CA; older notation c.415_416delCA).
Protein change: p.Gln139fs; shifts the reading frame from glutamine 139.
Molecular consequence: frameshift variant.
Genome position (GRCh38, 1-based): chr17:73,196,606-73,196,607, CA deleted. VCF-style (leftmost placement, unchanged base first): chr17-73196605-TCA-T. GRCh37 (hg19) VCF-style: chr17-71192744-TCA-T.
Other names: c.415_416delCA (NM_018714.3); short protein forms Q139fs.
Identifiers: ClinVar variation 4849349 (VCV004849349.1).
Genomic context (GRCh38, chr17:73,196,605, plus strand): 5'-TGCCCAGATCAAGCTACTCTTAGAAATTCCGGAGAAGATCTGGAGCTCGATGGAAGCCTC[TCA>T]GTGTCTCCACGCCACACAGCTCTACCTGCTCTGCTGCCACCTCCACAGCCTGCTCCAGCT-3'

ClinVar aggregate classification (germline): Likely pathogenic (1 of 4 stars; one submission).

Conditions:
COG1 congenital disorder of glycosylation (CDG2G). Also called: CONGENITAL DISORDER OF GLYCOSYLATION, TYPE IIg; CDG IIg; CDGII/COG1 CEREBROCOSTOMANDIBULAR-LIKE SYNDROME. Identifiers: Orphanet 263508, MedGen C2931011, MONDO:0012637, OMIM 611209.

Submission:

First Genomix Gene Laboratory, Genetic Diagnostics Department
Classification: Likely pathogenic for COG1 congenital disorder of glycosylation. Last evaluated: 2025-07-10. Review status: criteria provided, single submitter. Criteria: ACMG Guidelines, 2015. Collection method: clinical testing. Allele origin: germline. Inheritance: Autosomal recessive inheritance. Affected: no. Observed: 1 variant allele.